The following is an entry in ClinVar:

ClinVar aggregate classification (germline): Pathogenic (1 of 4 stars; one submission).

Submission:

Quest Diagnostics Nichols Institute San Juan Capistrano
Classification: Pathogenic. Last evaluated: 2023-01-05. Review status: criteria provided, single submitter. Criteria: ACMG/ClinGen CNV Guidelines, 2019. Collection method: clinical testing. Allele origin: unknown.
Comment: This deletion interval involves several protein-coding genes. Heterozygous loss-of-function variants of WDFY3 have been observed in multiple individuals with autism spectrum disorders (Le Duc 2019, Iossifov 2012, Kosmicki 2017, Ruzzo 2019, Wang 2016, Yuen 2017). Le Duc et al. (2019) identified multiple cases of patients with neurodevelopmental phenotypes. Ruzzo et al. (2019) found that premature truncating variants of WDFY3 cause a statistically significant increase in autism spectrum disorder risk. There are no similar copy number losses of this region in the general populations of the Database of Genomic Variants. Thus, based on current medical literature, this copy number variant (CNV) is classified as pathogenic. References: Le Duc et al., Brain. 2019 Sep 1;142(9):2617-2630. PMID: 31327001 Iossifov et al., Neuron. 2012 Apr 26;74(2):285-99. PMID: 22542183 Kosmicki et al., Nat Genet. 2017 Apr;49(4):504-510. PMID: 28191890 Ruzzo et al., Cell. 2019 Aug 8;178(4):850-866.e26. PMID: 31398340 Wang et al., Nat Commun. 2016 Nov 8;7:13316. PMID: 27824329 Yuen et al., Nat Neurosci. 2017 Apr;20(4):602-611. PMID: 28263302

GRCh37/hg19 4q21.23-21.3(chr4:85721709-86937764)x1

Genes: ARHGAP24 (Rho GTPase activating protein 24; plus strand), MAPK10 (mitogen-activated protein kinase 10; minus strand), WDFY3 (WD repeat and FYVE domain containing 3; minus strand). Cytogenetic location: 4q21.23-21.3.
Variant type: copy number loss.
Change: copy number 1 (one copy instead of two) of chr4:85,721,709-86,937,764 (1.22 Mb, GRCh37 coordinates, 1-based), cytogenetic band 4q21.23-21.3.
Identifiers: ClinVar variation 2685118 (VCV002685118.1).